The following is an entry in ClinVar:

NM_001034850.2(RETREG1):c.-45_-44CG[6]

Genes: RETREG1 (reticulophagy regulator 1; minus strand), RETREG1-AS1 (RETREG1 antisense RNA 1; plus strand), LOC129993734 (ATAC-STARR-seq lymphoblastoid silent region 15947; plus strand). Cytogenetic location: 5p15.1.
Variant type: Microsatellite.
Coding change: c.-45_-44CG[6] on transcript NM_001034850.2.
Genome position: GRCh38 VCF-style: chr5-16617005-G-GGC. GRCh37 (hg19) VCF-style: chr5-16617114-G-GGC.
Other names: c.-36_-35dupGC (NM_001034850.2).
Identifiers: ClinVar variation 421897 (VCV000421897.3), dbSNP rs1232262597, ClinGen allele CA16618162.
Genomic context (GRCh38, chr5:16,617,005, plus strand): 5'-GTGCTCCGGAGGCGCCGGGCTCGCCATCTTCAGCTGTGCTTCCAGACAGGGACGGGGCCG[G>GGC]GCGCGCGCGCGGGCGCGCCTGGGTGTGGGTGCCGCCGAGGGCGGGGCGGCGGTGGCGGCA-3'

ClinVar aggregate classification (germline): Likely benign (1 of 4 stars; one submission).

Submission:

GeneDx
Classification: Likely benign. Last evaluated: 2016-08-03. Review status: criteria provided, single submitter. Criteria: GeneDx Variant Classification (06012015). Collection method: clinical testing. Allele origin: germline. Affected: yes.
Comment: This variant is considered likely benign or benign based on one or more of the following criteria: it is a conservative change, it occurs at a poorly conserved position in the protein, it is predicted to be benign by multiple in silico algorithms, and/or has population frequency not consistent with disease.